The following is an entry in ClinVar:

NM_000038.6(APC):c.124T>C (p.Ser42Pro)

Gene: APC (APC regulator of Wnt signaling pathway; plus strand). Cytogenetic location: 5q22.2.
Variant type: single nucleotide variant.
Coding change: c.124T>C on transcript NM_000038.6 (MANE Select); coding-DNA position 124, T replaced by C.
Protein change: p.Ser42Pro; replaces serine 42 with proline.
Molecular consequence: missense variant. On other transcripts: 5 prime UTR variant (4), non-coding transcript variant (2), intron variant (11).
Genome position (GRCh38, 1-based): chr5:112,755,014, T>C. VCF-style: chr5-112755014-T-C. GRCh37 (hg19) VCF-style: chr5-112090711-T-C.
Other names: c.124T>C, p.Ser42Pro (NM_001127510.3, NM_001354895.2, NM_001354896.2 and 16 more transcripts); c.-912T>C (NM_001354906.2, NM_001407470.1, NM_001407471.1 and 1 more transcripts); c.166-11312T>C (NM_001407446.1, NM_001354897.2, NM_001354902.2 and 1 more transcripts); c.-42-11312T>C (NM_001407453.1, NM_001354900.2, NM_001354901.2 and 1 more transcripts); c.61-11312T>C (NM_001407451.1, NM_001354898.2, NM_001354904.2); short protein forms S42P.
Identifiers: ClinVar variation 4582592 (VCV004582592.1).

ClinVar aggregate classification (germline): Uncertain significance (1 of 4 stars; one submission).

Conditions:
Hereditary cancer-predisposing syndrome. Also called: Neoplastic Syndromes, Hereditary; Tumor predisposition; Hereditary Cancer Syndrome; Hereditary neoplastic syndrome. Identifiers: Orphanet 140162, MedGen C0027672, MeSH D009386, MONDO:0015356.

Submission:

Ambry Genetics
Classification: Uncertain significance for Hereditary cancer-predisposing syndrome. Last evaluated: 2025-10-21. Review status: criteria provided, single submitter. Criteria: Ambry Variant Classification Scheme 2023. Collection method: clinical testing. Allele origin: germline.
Comment: The p.S42P variant (also known as c.124T>C), located in coding exon 1 of the APC gene, results from a T to C substitution at nucleotide position 124. The serine at codon 42 is replaced by proline, an amino acid with similar properties. This amino acid position is highly conserved in available vertebrate species. In addition, in silico predictors for this gene do not accurately predict pathogenicity. Missense variants in APC are not a common cause of disease (Spier I et al. Genet Med. 2024 Feb;26(2):100992). Based on the available evidence, the clinical significance of this variant remains unclear.